The following is an entry in ClinVar:

NM_031443.4(CCM2):c.76_77del (p.Lys26fs)

Gene: CCM2 (CCM2 scaffold protein; plus strand). Cytogenetic location: 7p13.
Variant type: Deletion.
Coding change: c.76_77del on transcript NM_031443.4 (MANE Select); coding-DNA positions 76 to 77, 2 bases deleted (AA; older notation c.76_77delAA).
Protein change: p.Lys26fs; shifts the reading frame from lysine 26.
Molecular consequence: frameshift variant. On other transcripts: non-coding transcript variant (1), intron variant (2).
Genome position (GRCh38, 1-based): chr7:45,038,298-45,038,299, AA deleted; deleting any 2 consecutive bases within chr7:45,038,296-45,038,299 gives the same sequence; the c. name uses the placement nearest the transcript's 3' end. VCF-style (leftmost placement, unchanged base first): chr7-45038295-GAA-G. GRCh37 (hg19) VCF-style: chr7-45077894-GAA-G.
Other names: c.139_140del, p.Lys47fs (NM_001029835.2); c.76_77del, p.Lys26fs (NM_001167935.2, NM_001363458.2); c.31-25620_31-25619del (NM_001363459.2, NM_001167934.2); short protein forms K26fs, K47fs.
Identifiers: ClinVar variation 4823240 (VCV004823240.5).

ClinVar aggregate classification (germline): Pathogenic/Likely pathogenic. Review status: criteria provided, multiple submitters, no conflicts (2 of 4 stars). 2 submissions from 2 submitters: Pathogenic (1); Likely pathogenic (1). Last evaluated 2026-05-01.

Conditions:
CCM2-related disorder. Also called: CCM2-related condition.

Submissions (2):

CeGaT Center for Human Genetics Tuebingen
Classification: Likely pathogenic. Last evaluated: 2026-05-01. Review status: criteria provided, single submitter. Criteria: CeGaT Center For Human Genetics Tuebingen Variant Classification Criteria Version 2. Collection method: clinical testing. Allele origin: germline. Affected: yes. Observed: 2 variant alleles.
Comment: CCM2: PVS1:Strong, PM2

Blueprint Genetics
Classification: Pathogenic for CCM2-related disorders. Last evaluated: 2023-07-31. Review status: criteria provided, single submitter. Criteria: ACMG Guidelines, 2015. Collection method: clinical testing. Allele origin: germline. Affected: yes. Observed: 5 variant alleles.